The following is an entry in ClinVar:

NM_000166.6(GJB1):c.58A>G (p.Ile20Val)

Gene: GJB1 (gap junction protein beta 1; plus strand). Cytogenetic location: Xq13.1.
Variant type: single nucleotide variant.
Coding change: c.58A>G on transcript NM_000166.6 (MANE Select); coding-DNA position 58, A replaced by G.
Protein change: p.Ile20Val; replaces isoleucine 20 with valine.
Molecular consequence: missense variant.
Genome position (GRCh38, 1-based): chrX:71,223,765, A>G. VCF-style: chrX-71223765-A-G. GRCh37 (hg19) VCF-style: chrX-70443615-A-G.
Other names: c.58A>G, p.Ile20Val (NM_001097642.3); short protein forms I20V.
Identifiers: ClinVar variation 543918 (VCV000543918.8), dbSNP rs1555937019, ClinGen allele CA413500671.

ClinVar aggregate classification (germline): Uncertain significance (1 of 4 stars; one submission).

Conditions:
Charcot-Marie-Tooth Neuropathy X. Identifiers: MedGen CN118851.

Submission:

Labcorp Genetics (formerly Invitae), Labcorp
Classification: Uncertain significance for Charcot-Marie-Tooth Neuropathy X. Last evaluated: 2020-02-15. Review status: criteria provided, single submitter. Criteria: Invitae Variant Classification Sherloc (09022015). Collection method: clinical testing. Allele origin: germline.
Comment: In summary, the available evidence is currently insufficient to determine the role of this variant in disease. Therefore, it has been classified as a Variant of Uncertain Significance. Other missense substitutions at this codon (p.Ile20Phe, p.Ile20Ser, and p.Ile20Thr) have been reported in individuals affected with Charcot-Marie-Tooth disease (PMID: 27844031, 9361298, 24484554) Algorithms developed to predict the effect of missense changes on protein structure and function do not agree on the potential impact of this missense change (SIFT: "Deleterious"; PolyPhen-2: "Benign"; Align-GVGD: "Class C0"). This variant has not been reported in the literature in individuals with GJB1-related disease. This variant is not present in population databases (ExAC no frequency). This sequence change replaces isoleucine with valine at codon 20 of the GJB1 protein (p.Ile20Val). The isoleucine residue is highly conserved and there is a small physicochemical difference between isoleucine and valine.

Literature cited by the submitters: PubMed 27844031; PubMed 9361298; PubMed 24484554.